The following is an entry in ClinVar:

NM_002292.4(LAMB2):c.5233G>A (p.Ala1745Thr)

Gene: LAMB2 (laminin subunit beta 2; minus strand). Cytogenetic location: 3p21.31.
Variant type: single nucleotide variant.
Coding change: c.5233G>A on transcript NM_002292.4 (MANE Select); coding-DNA position 5233, G replaced by A.
Protein change: p.Ala1745Thr; replaces alanine 1745 with threonine.
Molecular consequence: missense variant.
Genome position (GRCh38, 1-based): chr3:49,121,460, C>T on the plus strand (G>A on the coding strand, the complement: LAMB2 is on the minus strand). VCF-style: chr3-49121460-C-T. GRCh37 (hg19) VCF-style: chr3-49158893-C-T.
Other names: short protein forms A1745T.
Identifiers: ClinVar variation 902726 (VCV000902726.8), dbSNP rs142041381, ClinGen allele CA2393579.

ClinVar aggregate classification (germline): Uncertain significance. Review status: criteria provided, multiple submitters, no conflicts (2 of 4 stars). 5 submissions from 4 submitters: Uncertain significance (4). 1 of the submissions does not count toward it. Last evaluated 2024-11-14.

Conditions:
LAMB2-related infantile-onset nephrotic syndrome. Also called: Nephrotic Syndrome, type 5; NEPHROTIC SYNDROME, TYPE 5, WITHOUT OCULAR ABNORMALITIES; NEPHROTIC SYNDROME, TYPE 5, WITH OCULAR ABNORMALITIES. Identifiers: Orphanet 306507, MedGen C3280113, MONDO:0013621, OMIM 614199.
Pierson syndrome. Also called: MICROCORIA-CONGENITAL NEPHROTIC SYNDROME. Identifiers: Orphanet 2670, MedGen C1836876, MONDO:0012184, OMIM 609049.

Allele frequency attached by ClinVar (database versions not stated): TOPMed 0.00018; gnomAD 0.00019 and 0.00021; ExAC 0.00024; gnomAD exomes 0.00027 and 0.00065; ESP Exome Variant Server 0.00038.
gnomAD v4.1: 960 of 1,613,914 alleles (0.059%); highest among the groups gnomAD compares: Non-Finnish European, 0.079%; 1 homozygote.

Submissions (5):

Blueprint Genetics
Classification: Uncertain significance. Last evaluated: 2024-11-14. Review status: criteria provided, single submitter. Criteria: ACMG Guidelines, 2015. Collection method: clinical testing. Allele origin: germline.

Labcorp Genetics (formerly Invitae), Labcorp
Classification: Uncertain significance for LAMB2-related infantile-onset nephrotic syndrome; Pierson syndrome. Last evaluated: 2022-10-25. Review status: criteria provided, single submitter. Criteria: Invitae Variant Classification Sherloc (09022015). Collection method: clinical testing. Allele origin: germline.
Comment: This sequence change replaces alanine, which is neutral and non-polar, with threonine, which is neutral and polar, at codon 1745 of the LAMB2 protein (p.Ala1745Thr). This variant is present in population databases (rs142041381, gnomAD 0.05%). This variant has not been reported in the literature in individuals affected with LAMB2-related conditions. ClinVar contains an entry for this variant (Variation ID: 902726). Algorithms developed to predict the effect of missense changes on protein structure and function (SIFT, PolyPhen-2, Align-GVGD) all suggest that this variant is likely to be disruptive. In summary, the available evidence is currently insufficient to determine the role of this variant in disease. Therefore, it has been classified as a Variant of Uncertain Significance.

Illumina Laboratory Services, Illumina
Classification: Uncertain significance for LAMB2-related infantile-onset nephrotic syndrome. Last evaluated: 2017-04-28. Review status: criteria provided, single submitter. Criteria: ICSL Variant Classification Criteria 13 December 2019. Collection method: clinical testing. Allele origin: germline.

Illumina Laboratory Services, Illumina
Classification: Uncertain significance for Pierson syndrome. Last evaluated: 2017-04-28. Review status: criteria provided, single submitter. Criteria: ICSL Variant Classification Criteria 13 December 2019. Collection method: clinical testing. Allele origin: germline.

Department of Pathology and Laboratory Medicine, Sinai Health System
Classification: Uncertain significance. Review status: no assertion criteria provided. Collection method: clinical testing. Allele origin: unknown. Affected: yes. Study: The Canadian Open Genetics Repository (COGR). Not counted in ClinVar's aggregate classification.
Comment: The LAMB2 p.A1745T variant was identified in one individual with a personal and family history of cardiac disease (Bagnall_2014_PMID: 25224718). The variant was identified in dbSNP (ID: rs142041381) and ClinVar (classified as uncertain significance by Illumina). The variant was identified in control databases in 76 of 282802 chromosomes at a frequency of 0.0002687, and was observed at the highest frequency in the European (non-Finnish) population in 69 of 129122 chromosomes (freq: 0.0005344) (Genome Aggregation Database March 6, 2019, v2.1.1). The p.A1745 residue is conserved in mammals and computational analyses (MUT Assesor, PolyPhen-2, SIFT, MutationTaster, Revel, FATHMM, MetaLR, DANN) provide inconsistent predictions regarding the impact to the protein; this information is not very predictive of pathogenicity. The variant occurs outside of the splicing consensus sequence and in silico or computational prediction software programs (Splice AI exome) do not predict a difference in splicing. In summary, based on the above information the clinical significance of this variant cannot be determined with certainty at this time. This variant is classified as a variant of uncertain significance.